The following is an entry in ClinVar:

NM_000016.6(ACADM):c.1091T>C (p.Ile364Thr)

Gene: ACADM (acyl-CoA dehydrogenase medium chain; plus strand). Cytogenetic location: 1p31.1.
Variant type: single nucleotide variant.
Coding change: c.1091T>C on transcript NM_000016.6 (MANE Select); coding-DNA position 1091, T replaced by C.
Protein change: p.Ile364Thr; replaces isoleucine 364 with threonine.
Molecular consequence: missense variant.
Genome position (GRCh38, 1-based): chr1:75,761,267, T>C. VCF-style: chr1-75761267-T-C. GRCh37 (hg19) VCF-style: chr1-76226952-T-C.
Other names: c.1103T>C, p.Ile368Thr (NM_001127328.3); c.983T>C, p.Ile328Thr (NM_001286042.2); c.1190T>C, p.Ile397Thr (NM_001286043.2); c.524T>C, p.Ile175Thr (NM_001286044.2); short protein forms I368T, I175T, I397T, I328T.
Identifiers: ClinVar variation 92253 (VCV000092253.63), dbSNP rs150710061, ClinGen allele CA220163.

ClinVar aggregate classification (germline): Uncertain significance. Review status: criteria provided, multiple submitters, no conflicts (2 of 4 stars). 10 submissions from 10 submitters: Uncertain significance (10). Last evaluated 2026-05-19.

Conditions:
ACADM-related disorder. Also called: ACADM-related condition.
Inborn genetic diseases. Identifiers: MedGen C0950123, MeSH D030342.
Medium-chain acyl-coenzyme A dehydrogenase deficiency (ACADMD). Also called: MCAD Deficiency; MCADH DEFICIENCY; MCADD; Medium chain acyl-CoA dehydrogenase deficiency; ACADM DEFICIENCY; CARNITINE DEFICIENCY SECONDARY TO MEDIUM-CHAIN ACYL-CoA DEHYDROGENASE DEFICIENCY. Identifiers: Orphanet 42, MedGen C0220710, MONDO:0008721, OMIM 201450.

Allele frequency attached by ClinVar (database versions not stated): gnomAD 0.00031 and 0.00033; ESP Exome Variant Server 0.00038; gnomAD exomes 0.00044 and 0.00048; TOPMed 0.00033; ExAC 0.00044.
gnomAD v4.1: 697 of 1,614,006 alleles (0.043%); highest among the groups gnomAD compares: Middle Eastern, 0.25%; 4 homozygotes.

Submissions (10):

PreventionGenetics, part of Exact Sciences
Classification: Uncertain significance for ACADM-related condition. Last evaluated: 2026-05-19. Review status: criteria provided, single submitter. Criteria: ACMG Guidelines, 2015. Collection method: clinical testing. Allele origin: germline.
Comment: The ACADM c.1091T>C variant is predicted to result in the amino acid substitution p.Ile364Thr. This variant has been reported, along with known causative ACADM c.985A>G (p.Lys329Glu), in at least two individuals with concern for medium chain acyl CoA dehydrogenase deficiency (MCADD, Boemer et al. 2017. PubMed ID: 29247206; Weiss et al. 2023. PubMed ID: 36840705). This variant is reported in 0.13% of alleles in individuals of South Asian descent in gnomAD, including two homozygotes. This variant is interpreted as a variant of uncertain significance by multiple laboratories in Clinvar (Clinvar ID: 92253). At PreventionGenetics, we have observed this variant in the compound heterozygous state with pathogenic p.Lys329Glu variant in at least three unrelated individuals undergoing testing for MCADD (internal data). However, the c.985A>G (p.Lys329Glu) variant, in the heterozygous state without a second ACADM variant, has been reported to lead to false positive newborn screen results suggestive of MCADD (Merritt and Chang. 2019. PubMed ID: 20301597). Taken together, the clinical significance of this variant is uncertain due to the absence of conclusive functional and genetic evidence.

Ambry Genetics
Classification: Uncertain significance for Inborn genetic diseases. Last evaluated: 2024-12-10. Review status: criteria provided, single submitter. Criteria: Ambry Variant Classification Scheme 2023. Collection method: clinical testing. Allele origin: germline.

GeneDx
Classification: Uncertain significance. Last evaluated: 2024-12-06. Review status: criteria provided, single submitter. Criteria: GeneDx Variant Classification Process June 2021. Collection method: clinical testing. Allele origin: germline. Affected: yes.
Comment: In silico analysis indicates that this missense variant does not alter protein structure/function; This variant is associated with the following publications: (PMID: 27308838, 29247206, 34426522, 36840705, 33580884)

Blueprint Genetics
Classification: Uncertain significance. Last evaluated: 2024-10-23. Review status: criteria provided, single submitter. Criteria: ACMG Guidelines, 2015. Collection method: clinical testing. Allele origin: germline.

Baylor Genetics
Classification: Uncertain significance for Medium chain acyl-CoA dehydrogenase deficiency. Last evaluated: 2023-06-12. Review status: criteria provided, single submitter. Criteria: ACMG Guidelines, 2015. Collection method: clinical testing. Allele origin: unknown.

Labcorp Genetics (formerly Invitae), Labcorp
Classification: Uncertain significance for Medium-chain acyl-coenzyme A dehydrogenase deficiency. Last evaluated: 2022-10-17. Review status: criteria provided, single submitter. Criteria: Invitae Variant Classification Sherloc (09022015). Collection method: clinical testing. Allele origin: germline.
Comment: This sequence change replaces isoleucine, which is neutral and non-polar, with threonine, which is neutral and polar, at codon 364 of the ACADM protein (p.Ile364Thr). This variant is present in population databases (rs150710061, gnomAD 0.1%), including at least one homozygous and/or hemizygous individual. This missense change has been observed in individual(s) with abnormal newborn screening results suggestive of MCAD deficiency (PMID: 27308838). ClinVar contains an entry for this variant (Variation ID: 92253). Advanced modeling of protein sequence and biophysical properties (such as structural, functional, and spatial information, amino acid conservation, physicochemical variation, residue mobility, and thermodynamic stability) performed at Invitae indicates that this missense variant is not expected to disrupt ACADM protein function. In summary, the available evidence is currently insufficient to determine the role of this variant in disease. Therefore, it has been classified as a Variant of Uncertain Significance.

Revvity Omics, Revvity
Classification: Uncertain significance for Medium-chain acyl-coenzyme A dehydrogenase deficiency. Last evaluated: 2022-05-11. Review status: criteria provided, single submitter. Criteria: ACMG Guidelines, 2015. Collection method: clinical testing. Allele origin: germline.

Mayo Clinic Laboratories, Mayo Clinic
Classification: Uncertain significance. Last evaluated: 2020-08-13. Review status: criteria provided, single submitter. Criteria: ACMG Guidelines, 2015. Collection method: clinical testing. Allele origin: germline. Observed: 1 variant allele.

Illumina Laboratory Services, Illumina
Classification: Uncertain significance for Medium-chain acyl-coenzyme A dehydrogenase deficiency. Last evaluated: 2018-01-13. Review status: criteria provided, single submitter. Criteria: ICSL Variant Classification Criteria 13 December 2019. Collection method: clinical testing. Allele origin: germline.

Eurofins Ntd Llc (ga)
Classification: Uncertain significance. Last evaluated: 2015-10-22. Review status: criteria provided, single submitter. Criteria: EGL Classification Definitions 2015. Collection method: clinical testing. Allele origin: germline. Observed: 2 variant alleles, 2 heterozygotes.

Literature cited by the submitters: PubMed 29247206 (cited by Ambry Genetics); PubMed 33580884 (cited by Ambry Genetics); PubMed 36840705 (cited by Ambry Genetics); PubMed 27308838 (cited by Labcorp Genetics (formerly Invitae), Labcorp).